The following is an entry in ClinVar:

NM_015331.3(NCSTN):c.55C>T (p.Arg19Cys)

Gene: NCSTN (nicastrin; plus strand). Cytogenetic location: 1q23.2.
Variant type: single nucleotide variant.
Coding change: c.55C>T on transcript NM_015331.3 (MANE Select); coding-DNA position 55, C replaced by T.
Protein change: p.Arg19Cys; replaces arginine 19 with cysteine.
Molecular consequence: missense variant. On other transcripts: 5 prime UTR variant (1).
Genome position (GRCh38, 1-based): chr1:160,343,451, C>T. VCF-style: chr1-160343451-C-T. GRCh37 (hg19) VCF-style: chr1-160313241-C-T.
Other names: c.-145C>T (NM_001290184.2); c.55C>T, p.Arg19Cys (NM_001290186.2, NM_001349729.2); short protein forms R19C.
Identifiers: ClinVar variation 2898660 (VCV002898660.3), dbSNP rs751031803, ClinGen allele CA1198551.

ClinVar aggregate classification (germline): Uncertain significance (1 of 4 stars; one submission).

Allele frequency attached by ClinVar (database versions not stated): ExAC 0.00002.
gnomAD v4.1: 2 of 1,611,586 alleles (0.00012%); highest among the groups gnomAD compares: South Asian, 0.0022%; no homozygotes.

Submission:

Labcorp Genetics (formerly Invitae), Labcorp
Classification: Uncertain significance. Last evaluated: 2023-11-13. Review status: criteria provided, single submitter. Criteria: Invitae Variant Classification Sherloc (09022015). Collection method: clinical testing. Allele origin: germline.
Comment: This sequence change replaces arginine, which is basic and polar, with cysteine, which is neutral and slightly polar, at codon 19 of the NCSTN protein (p.Arg19Cys). This variant is present in population databases (rs751031803, gnomAD 0.007%). This variant has not been reported in the literature in individuals affected with NCSTN-related conditions. An algorithm developed to predict the effect of missense changes on protein structure and function (PolyPhen-2) suggests that this variant is likely to be tolerated. In summary, the available evidence is currently insufficient to determine the role of this variant in disease. Therefore, it has been classified as a Variant of Uncertain Significance.